The following is an entry in ClinVar:

NM_182961.4(SYNE1):c.3897G>T (p.Ala1299=)

Gene: SYNE1 (spectrin repeat containing nuclear envelope protein 1; minus strand). Cytogenetic location: 6q25.2.
Variant type: single nucleotide variant.
Coding change: c.3897G>T on transcript NM_182961.4 (MANE Select); coding-DNA position 3897, G replaced by T.
Protein change: p.Ala1299=; no amino-acid change (alanine 1299 retained).
Molecular consequence: synonymous variant.
Genome position (GRCh38, 1-based): chr6:152,442,186, C>A on the plus strand (G>T on the coding strand, the complement: SYNE1 is on the minus strand). VCF-style: chr6-152442186-C-A. GRCh37 (hg19) VCF-style: chr6-152763321-C-A.
Other names: c.3918G>T, p.Ala1306= (NM_033071.5).
Identifiers: ClinVar variation 3759909 (VCV003759909.6).

ClinVar aggregate classification (germline): Likely benign. Review status: criteria provided, multiple submitters, no conflicts (2 of 4 stars). 2 submissions from 2 submitters: Likely benign (2). Last evaluated 2026-03-01.

Conditions:
Emery-Dreifuss muscular dystrophy 4, autosomal dominant (EDMD4). Also called: EMERY-DREIFUSS MUSCULAR DYSTROPHY 4 WITH VARIABLE FEATURES. Identifiers: Orphanet 261, MedGen C2751807, MONDO:0013071, OMIM 612998.
Autosomal recessive ataxia, Beauce type. Also called: SYNE1-Related Autosomal Recessive Cerebellar Ataxia; Spinocerebellar ataxia, autosomal recessive 8; ATAXIA, RECESSIVE, OF BEAUCE; SYNE1 Deficiency. Identifiers: Orphanet 88644, MedGen C1853116, MONDO:0012549, OMIM 610743.

gnomAD v4.1: 1 of 1,613,692 alleles (0.000062%); highest among the groups gnomAD compares: Non-Finnish European, 0.000085%; no homozygotes.

Submissions (2):

CeGaT Center for Human Genetics Tuebingen
Classification: Likely benign. Last evaluated: 2026-03-01. Review status: criteria provided, single submitter. Criteria: CeGaT Center For Human Genetics Tuebingen Variant Classification Criteria Version 2. Collection method: clinical testing. Allele origin: germline. Affected: yes. Observed: 1 variant allele.
Comment: SYNE1: BP4, BP7

Labcorp Genetics (formerly Invitae), Labcorp
Classification: Likely benign for Emery-Dreifuss muscular dystrophy 4, autosomal dominant; Autosomal recessive ataxia, Beauce type. Last evaluated: 2025-04-10. Review status: criteria provided, single submitter. Criteria: Invitae Variant Classification Sherloc (09022015). Collection method: clinical testing. Allele origin: germline.